The following is an entry in ClinVar:

ClinVar aggregate classification (germline): Benign/Likely benign. Review status: criteria provided, multiple submitters, no conflicts (2 of 4 stars). 7 submissions from 7 submitters: Benign (1); Likely benign (6). Last evaluated 2026-01-28.

Conditions:
Ehlers-Danlos syndrome, classic type, 1 (EDSCL1). Also called: Ehlers-Danlos syndrome, type 1; Ehlers-Danlos Syndrome, Classic Type, COL5A1-Related; EDS I; EHLERS-DANLOS SYNDROME, GRAVIS TYPE; EHLERS-DANLOS SYNDROME, SEVERE CLASSIC TYPE. Identifiers: MedGen C0268335, MONDO:0019567, OMIM 130000.
Ehlers-Danlos syndrome, classic type (cEDS). Identifiers: Orphanet 287, MedGen C4225429, MONDO:0007522.
Familial thoracic aortic aneurysm and aortic dissection (TAAD). Also called: Thoracic aortic aneurysms and dissections. Identifiers: Orphanet 91387, MedGen C4707243, MONDO:0019625.

Allele frequency attached by ClinVar (database versions not stated): gnomAD exomes 0.00011; ExAC 0.00013; 1000 Genomes Project 30x 0.00016; 1000 Genomes Project 0.00020; gnomAD 0.00034 and 0.00037; ESP Exome Variant Server 0.00039; TOPMed 0.00043.
gnomAD v4.1: 209 of 1,601,726 alleles (0.013%); highest among the groups gnomAD compares: African/African-American, 0.15%; 1 homozygote.

Submissions (7):

Labcorp Genetics (formerly Invitae), Labcorp
Classification: Likely benign for Ehlers-Danlos syndrome, classic type, 1. Last evaluated: 2026-01-28. Review status: criteria provided, single submitter. Criteria: Invitae Variant Classification Sherloc (09022015). Collection method: clinical testing. Allele origin: germline.

Women's Health and Genetics/Laboratory Corporation of America, LabCorp
Classification: Benign. Last evaluated: 2025-02-03. Review status: criteria provided, single submitter. Criteria: LabCorp Variant Classification Summary - May 2015. Collection method: clinical testing. Allele origin: germline.

Blueprint Genetics
Classification: Likely benign. Last evaluated: 2024-08-28. Review status: criteria provided, single submitter. Criteria: ACMG Guidelines, 2015. Collection method: clinical testing. Allele origin: germline.

Ambry Genetics
Classification: Likely benign for Familial thoracic aortic aneurysm and aortic dissection. Last evaluated: 2022-06-06. Review status: criteria provided, single submitter. Criteria: Ambry Variant Classification Scheme 2023. Collection method: clinical testing. Allele origin: germline.

GeneDx
Classification: Likely benign. Last evaluated: 2021-02-07. Review status: criteria provided, single submitter. Criteria: GeneDx Variant Classification Process June 2021. Collection method: clinical testing. Allele origin: germline. Affected: yes.

Illumina Laboratory Services, Illumina
Classification: Likely benign for Ehlers-Danlos syndrome, classic type, 1. Last evaluated: 2018-01-13. Review status: criteria provided, single submitter. Criteria: ICSL Variant Classification Criteria 13 December 2019. Collection method: clinical testing. Allele origin: germline.
Comment: This variant was observed in the ICSL laboratory as part of a predisposition screen in an ostensibly healthy population. It had not been previously curated by ICSL or reported in the Human Gene Mutation Database (HGMD: prior to June 1st, 2018), and was therefore a candidate for classification through an automated scoring system. Utilizing variant allele frequency, disease prevalence and penetrance estimates, and inheritance mode, an automated score was calculated to assess if this variant is too frequent to cause the disease. Based on the score and internal cut-off values, a variant classified as likely benign is not then subjected to further curation. The score for this variant resulted in a classification of likely benign for this disease.

ARUP Laboratories, Molecular Genetics and Genomics, ARUP Laboratories
Classification: Likely benign. Last evaluated: 2017-12-22. Review status: criteria provided, single submitter. Criteria: ARUP Molecular Germline Variant Investigation Process. Collection method: clinical testing. Allele origin: germline.
Comment: The c.3402C>T variant has not been reported in the medical literature, gene specific variation databases, nor has it been previously identified by our laboratory. It is present in the genome Aggregation Database with an African population frequency of 0.14% (30 out of 21,498 chromosomes). The cytosine at position 3402 is not highly conserved, and the variant is not predicted to alter COL5A1 mRNA splicing (Alamut software v.2.10.0). Therefore, the c.3402C>T variant is likely to be benign.

NM_000093.5(COL5A1):c.3402C>T (p.Asp1134=)

Gene: COL5A1 (collagen type V alpha 1 chain; plus strand). Cytogenetic location: 9q34.3.
Variant type: single nucleotide variant.
Coding change: c.3402C>T on transcript NM_000093.5 (MANE Select); coding-DNA position 3402, C replaced by T.
Protein change: p.Asp1134=; no amino-acid change (aspartic acid 1134 retained).
Molecular consequence: synonymous variant.
Genome position (GRCh38, 1-based): chr9:134,809,218, C>T. VCF-style: chr9-134809218-C-T. GRCh37 (hg19) VCF-style: chr9-137701064-C-T.
Other names: c.3402C>T, p.Asp1134= (NM_001278074.1).
Identifiers: ClinVar variation 384233 (VCV000384233.27), dbSNP rs138251296, ClinGen allele CA5319850.